The following is an entry in ClinVar:

NM_000075.4(CDK4):c.874C>A (p.His292Asn)

Genes: CDK4 (cyclin dependent kinase 4; minus strand), TSPAN31 (tetraspanin 31; plus strand). Cytogenetic location: 12q14.1.
Variant type: single nucleotide variant.
Coding change: c.874C>A on transcript NM_000075.4 (MANE Select); coding-DNA position 874, C replaced by A.
Protein change: p.His292Asn; replaces histidine 292 with asparagine.
Molecular consequence: missense variant. On other transcripts: 3 prime UTR variant (3).
Genome position (GRCh38, 1-based): chr12:57,748,563, G>T on the plus strand (C>A on the coding strand, the complement: CDK4 is on the minus strand). VCF-style: chr12-57748563-G-T. GRCh37 (hg19) VCF-style: chr12-58142346-G-T.
Other names: c.*1273G>T (NM_001330168.2, NM_001330169.2, NM_005981.5); short protein forms H292N.
Identifiers: ClinVar variation 3637624 (VCV003637624.2).

ClinVar aggregate classification (germline): Uncertain significance (1 of 4 stars; one submission).

Conditions:
Familial melanoma. Also called: Hereditary melanoma; Hereditary cutaneous melanoma. Identifiers: Orphanet 618, MedGen C1512419, MONDO:0018961.

gnomAD v4.1: 1 of 1,613,902 alleles (0.000062%); highest among the groups gnomAD compares: Non-Finnish European, 0.000085%; no homozygotes.

Submission:

Labcorp Genetics (formerly Invitae), Labcorp
Classification: Uncertain significance for Familial melanoma. Last evaluated: 2024-07-12. Review status: criteria provided, single submitter. Criteria: Invitae Variant Classification Sherloc (09022015). Collection method: clinical testing. Allele origin: germline.
Comment: This sequence change replaces histidine, which is basic and polar, with asparagine, which is neutral and polar, at codon 292 of the CDK4 protein (p.His292Asn). This variant is not present in population databases (gnomAD no frequency). This variant has not been reported in the literature in individuals affected with CDK4-related conditions. Advanced modeling of protein sequence and biophysical properties (such as structural, functional, and spatial information, amino acid conservation, physicochemical variation, residue mobility, and thermodynamic stability) performed at Invitae indicates that this missense variant is expected to disrupt CDK4 protein function with a positive predictive value of 95%. In summary, the available evidence is currently insufficient to determine the role of this variant in disease. Therefore, it has been classified as a Variant of Uncertain Significance.